The following is an entry in ClinVar:

ClinVar aggregate classification (germline): Pathogenic (1 of 4 stars; one submission).

Submission:

Labcorp Genetics (formerly Invitae), Labcorp
Classification: Pathogenic. Last evaluated: 2025-01-01. Review status: criteria provided, single submitter. Criteria: Invitae Variant Classification Sherloc (09022015). Collection method: clinical testing. Allele origin: germline.
Comment: This sequence change creates a premature translational stop signal (p.Thr934Profs*18) in the ZNF469 gene. It is expected to result in an absent or disrupted protein product. Loss-of-function variants in ZNF469 are known to be pathogenic (PMID: 23642083, 23680354). This variant is not present in population databases (gnomAD no frequency). This variant has not been reported in the literature in individuals affected with ZNF469-related conditions. For these reasons, this variant has been classified as Pathogenic.

Literature cited by the submitters: PubMed 23642083; PubMed 23680354.

NM_001367624.2(ZNF469):c.2799del (p.Thr934fs)

Gene: ZNF469 (zinc finger protein 469; plus strand). Cytogenetic location: 16q24.2.
Variant type: Deletion.
Coding change: c.2799del on transcript NM_001367624.2 (MANE Select); coding-DNA position 2799, one base deleted (C; older notation c.2799delC).
Protein change: p.Thr934fs; shifts the reading frame from threonine 934.
Molecular consequence: frameshift variant.
Genome position (GRCh38, 1-based): chr16:88,430,269, C deleted; the last of 5 consecutive C bases (chr16:88,430,265-88,430,269); deleting any one gives the same sequence. VCF-style (leftmost placement, unchanged base first): chr16-88430264-GC-G. GRCh37 (hg19) VCF-style: chr16-88496672-GC-G.
Other names: short protein forms T934fs.
Identifiers: ClinVar variation 3728428 (VCV003728428.2).